The following is an entry in ClinVar:

ClinVar aggregate classification (germline): Uncertain significance (1 of 4 stars; one submission).

Conditions:
Inborn genetic diseases. Identifiers: MedGen C0950123, MeSH D030342.

Submission:

Ambry Genetics
Classification: Uncertain significance for Inborn genetic diseases. Last evaluated: 2024-12-02. Review status: criteria provided, single submitter. Criteria: Ambry Variant Classification Scheme 2023. Collection method: clinical testing. Allele origin: germline.
Comment: The p.T391A variant (also known as c.1171A>G), located in coding exon 10 of the ANKRD26 gene, results from an A to G substitution at nucleotide position 1171. The threonine at codon 391 is replaced by alanine, an amino acid with similar properties. This amino acid position is conserved. In addition, this alteration is predicted to be tolerated by in silico analysis. Based on the available evidence, the clinical significance of this variant remains unclear.

NM_014915.3(ANKRD26):c.1171A>G (p.Thr391Ala)

Gene: ANKRD26 (ankyrin repeat domain containing 26; minus strand). Cytogenetic location: 10p12.1.
Variant type: single nucleotide variant.
Coding change: c.1171A>G on transcript NM_014915.3 (MANE Select); coding-DNA position 1171, A replaced by G.
Protein change: p.Thr391Ala; replaces threonine 391 with alanine.
Molecular consequence: missense variant.
Genome position (GRCh38, 1-based): chr10:27,067,193, T>C on the plus strand (A>G on the coding strand, the complement: ANKRD26 is on the minus strand). VCF-style: chr10-27067193-T-C. GRCh37 (hg19) VCF-style: chr10-27356122-T-C.
Other names: c.1171A>G, p.Thr391Ala (NM_001256053.2); short protein forms T391A.
Identifiers: ClinVar variation 3397039 (VCV003397039.1).